The following is an entry in ClinVar:

NM_000465.4(BARD1):c.209T>C (p.Phe70Ser)

Gene: BARD1 (BRCA1 associated RING domain 1; minus strand). Cytogenetic location: 2q35.
Variant type: single nucleotide variant.
Coding change: c.209T>C on transcript NM_000465.4 (MANE Select); coding-DNA position 209, T replaced by C.
Protein change: p.Phe70Ser; replaces phenylalanine 70 with serine.
Molecular consequence: missense variant. On other transcripts: non-coding transcript variant (2), intron variant (2).
Genome position (GRCh38, 1-based): chr2:214,797,067, A>G on the plus strand (T>C on the coding strand, the complement: BARD1 is on the minus strand). VCF-style: chr2-214797067-A-G. GRCh37 (hg19) VCF-style: chr2-215661791-A-G.
Other names: c.209T>C (NM_000465.2); c.209T>C, p.Phe70Ser (NM_001282545.2, NM_001282549.2); c.158+12345T>C (NM_001282548.2); c.159-4622T>C (NM_001282543.2); short protein forms F70S.
Identifiers: ClinVar variation 1044805 (VCV001044805.10), dbSNP rs1695790654, ClinGen allele CA350462149.
Genomic context (GRCh38, chr2:214,797,067, plus strand): 5'-GTTATCTAGTAAAAAATACAGTTGTACTATATACATCAAACCGTAATTACTTACCTACAG[A>G]AGATGTGCTCACATCCTCCTAAACACACAGGCTCTCTCAGAATGTTAGTACTGTTTGAAG-3'
Protein context (NP_000456.2, residues 60-80): PVCLGGCEHI[Phe70Ser]CSNCVSDCIG

ClinVar aggregate classification (germline): Uncertain significance. Review status: criteria provided, multiple submitters, no conflicts (2 of 4 stars). 2 submissions from 2 submitters: Uncertain significance (2). Last evaluated 2026-07-07.

Conditions:
Hereditary cancer-predisposing syndrome. Also called: Tumor predisposition; Hereditary Cancer Syndrome; Hereditary neoplastic syndrome; Neoplastic Syndromes, Hereditary. Identifiers: Orphanet 140162, MedGen C0027672, MeSH D009386, MONDO:0015356.
Familial cancer of breast. Also called: Hereditary breast cancer; hereditary breast carcinoma; BREAST CANCER, FAMILIAL. Identifiers: Orphanet 227535, MedGen C0346153, MONDO:0016419, OMIM 114480. Disease mechanism: loss of function.

Submissions (2):

Ambry Genetics
Classification: Uncertain significance for Hereditary cancer-predisposing syndrome. Last evaluated: 2026-07-07. Review status: criteria provided, single submitter. Criteria: Ambry Variant Classification Scheme 2023. Collection method: clinical testing. Allele origin: germline.
Comment: The p.F70S variant (also known as c.209T>C), located in coding exon 2 of the BARD1 gene, results from a T to C substitution at nucleotide position 209. The phenylalanine at codon 70 is replaced by serine, an amino acid with highly dissimilar properties. This amino acid position is conserved. In addition, this alteration is predicted to be deleterious by in silico analysis. Based on the available evidence, the clinical significance of this variant remains unclear.

Labcorp Genetics (formerly Invitae), Labcorp
Classification: Uncertain significance for Familial cancer of breast. Last evaluated: 2020-09-09. Review status: criteria provided, single submitter. Criteria: Invitae Variant Classification Sherloc (09022015). Collection method: clinical testing. Allele origin: germline.
Comment: This sequence change replaces phenylalanine with serine at codon 70 of the BARD1 protein (p.Phe70Ser). The phenylalanine residue is highly conserved and there is a large physicochemical difference between phenylalanine and serine. This variant is not present in population databases (ExAC no frequency). This variant has not been reported in the literature in individuals with BARD1-related conditions. Algorithms developed to predict the effect of missense changes on protein structure and function (SIFT, PolyPhen-2, Align-GVGD) all suggest that this variant is likely to be disruptive, but these predictions have not been confirmed by published functional studies and their clinical significance is uncertain. In summary, the available evidence is currently insufficient to determine the role of this variant in disease. Therefore, it has been classified as a Variant of Uncertain Significance.